The following is an entry in ClinVar:

NM_001130987.2(DYSF):c.1276A>C (p.Met426Leu)

Gene: DYSF (dysferlin; plus strand). Cytogenetic location: 2p13.2.
Variant type: single nucleotide variant.
Coding change: c.1276A>C on transcript NM_001130987.2 (MANE Select); coding-DNA position 1276, A replaced by C.
Protein change: p.Met426Leu; replaces methionine 426 with leucine.
Molecular consequence: missense variant.
Genome position (GRCh38, 1-based): chr2:71,526,346, A>C. VCF-style: chr2-71526346-A-C. GRCh37 (hg19) VCF-style: chr2-71753476-A-C.
Other names: c.1180A>C (NM_003494.3); c.1183A>C, p.Met395Leu (NM_001130455.2, NM_001130983.2, NM_001130984.2 and 1 more transcripts); c.1180A>C, p.Met394Leu (NM_001130976.2, NM_001130977.2, NM_001130978.2 and 1 more transcripts); c.1273A>C, p.Met425Leu (NM_001130979.2, NM_001130980.2, NM_001130981.2); c.1276A>C, p.Met426Leu (NM_001130982.2, NM_001130985.2); short protein forms M394L, M395L, M425L, M426L.
Identifiers: ClinVar variation 2162951 (VCV002162951.4), dbSNP rs1372661233, ClinGen allele CA16609661.

ClinVar aggregate classification (germline): Uncertain significance. Review status: criteria provided, multiple submitters, no conflicts (2 of 4 stars). 2 submissions from 2 submitters: Uncertain significance (2). Last evaluated 2022-05-28.

Conditions:
Neuromuscular disease caused by qualitative or quantitative defects of dysferlin. Also called: Dysferlinopathy; Qualitative or quantitative defects of dysferlin. Identifiers: Orphanet 207073, MedGen C2931687, MONDO:0016145.

Allele frequency attached by ClinVar (database versions not stated): TOPMed 0.00001; gnomAD 0.00003.
gnomAD v4.1: 4 of 1,359,496 alleles (0.00029%); highest among the groups gnomAD compares: African/African-American, 0.0066%; no homozygotes.

Submissions (2):

Labcorp Genetics (formerly Invitae), Labcorp
Classification: Uncertain significance for Neuromuscular disease caused by qualitative or quantitative defects of dysferlin. Last evaluated: 2022-05-28. Review status: criteria provided, single submitter. Criteria: Invitae Variant Classification Sherloc (09022015). Collection method: clinical testing. Allele origin: germline.
Comment: This sequence change replaces methionine, which is neutral and non-polar, with leucine, which is neutral and non-polar, at codon 394 of the DYSF protein (p.Met394Leu). This variant is present in population databases (no rsID available, gnomAD 0.02%). This variant has not been reported in the literature in individuals affected with DYSF-related conditions. Algorithms developed to predict the effect of missense changes on protein structure and function are either unavailable or do not agree on the potential impact of this missense change (SIFT: "Tolerated"; PolyPhen-2: "Probably Damaging"; Align-GVGD: "Class C0"). In summary, the available evidence is currently insufficient to determine the role of this variant in disease. Therefore, it has been classified as a Variant of Uncertain Significance.

Revvity Omics, Revvity
Classification: Uncertain significance. Last evaluated: 2019-12-26. Review status: criteria provided, single submitter. Criteria: ACMG Guidelines, 2015. Collection method: clinical testing. Allele origin: germline.